The following is an entry in ClinVar:

ClinVar aggregate classification (germline): Likely pathogenic (1 of 4 stars; one submission).

Conditions:
Glycogen storage disease IXa1. Also called: LIVER GLYCOGENOSIS, X-LINKED, TYPE I; GLYCOGEN STORAGE DISEASE VIII; GSD VIII; Glycogen storage disease 8. Identifiers: Orphanet 264580, MedGen C3694531, MONDO:0010598, OMIM 306000.

Submission:

Molecular Genetics and NGS Laboratory, Hospital Fundacion Valle Del Lili
Classification: Likely pathogenic for Glycogen storage disease IXa1. Last evaluated: 2024-08-15. Review status: criteria provided, single submitter. Criteria: ACMG Guidelines, 2015. Collection method: clinical testing. Allele origin: germline. Affected: yes. Observed: 1 variant allele.
Comment: Null variant (intronic within ±2 of splice site) in gene PHKA2. Loss-of-function is a known mechanism of disease (gene has 81 reported pathogenic LOF variants) (PVS1). Variant not found in gnomAD genomes.

NM_000292.3(PHKA2):c.455-5_463del

Gene: PHKA2 (phosphorylase kinase regulatory subunit alpha 2; minus strand). Cytogenetic location: Xp22.13.
Variant type: Deletion.
Coding change: c.455-5_463del on transcript NM_000292.3 (MANE Select); 5 bases into the intron before coding-DNA position 455 through coding-DNA position 463, 14 bases deleted (GCTAGGCTTACGTA).
Molecular consequence: splice acceptor variant.
Genome position (GRCh38, 1-based): chrX:18,948,818-18,948,831, TACGTAAGCCTAGC deleted on the plus strand (GCTAGGCTTACGTA on the coding strand, the reverse complement: PHKA2 is on the minus strand). VCF-style (leftmost placement, unchanged base first): chrX-18948817-ATACGTAAGCCTAGC-A. GRCh37 (hg19) VCF-style: chrX-18966935-ATACGTAAGCCTAGC-A.
Identifiers: ClinVar variation 3338320 (VCV003338320.2).